The following is an entry in ClinVar:

NM_000751.3(CHRND):c.45G>A (p.Ala15=)

Gene: CHRND (cholinergic receptor nicotinic delta subunit; plus strand). Cytogenetic location: 2q37.1.
Variant type: single nucleotide variant.
Coding change: c.45G>A on transcript NM_000751.3 (MANE Select); coding-DNA position 45, G replaced by A.
Protein change: p.Ala15=; no amino-acid change (alanine 15 retained).
Molecular consequence: synonymous variant. On other transcripts: 5 prime UTR variant (2).
Genome position (GRCh38, 1-based): chr2:232,526,260, G>A. VCF-style: chr2-232526260-G-A. GRCh37 (hg19) VCF-style: chr2-233390970-G-A.
Other names: c.45G>A, p.Ala15= (NM_001256657.2); c.-227G>A (NM_001311195.2, NM_001311196.2).
Identifiers: ClinVar variation 466194 (VCV000466194.19), dbSNP rs138609765, ClinGen allele CA2167862.
Genomic context (GRCh38, chr2:232,526,260, plus strand): 5'-CAGTCAGAGGGATGGGATGGAGGGGCCAGTGCTGACACTGGGGCTGCTGGCTGCCCTGGC[G>A]GTGTGTGGTAAGGGAAGACACCCTCCCCACCCTGGGGTCCCCCGTGATGCTTACCCAGGC-3'
Protein context (NP_000742.1, residues 5-25): VLTLGLLAAL[Ala15=]VCGSWGLNEE

ClinVar aggregate classification (germline): Conflicting classifications of pathogenicity. Review status: criteria provided, conflicting classifications (1 of 4 stars). 4 submissions from 3 submitters: Uncertain significance (2); Likely benign (2). Last evaluated 2026-09-01.

Conditions:
Congenital myasthenic syndrome (CMS). Also called: Congenital Myasthenic Syndromes. Identifiers: Orphanet 590, MedGen C0751882, MeSH D020294, MONDO:0018940.
Lethal multiple pterygium syndrome (LMPS). Identifiers: Orphanet 33108, MedGen C1854678, MONDO:0009668, OMIM 253290.

Allele frequency attached by ClinVar (database versions not stated): gnomAD 0.00020 and 0.00022; 1000 Genomes Project 30x 0.00031; TOPMed 0.00033; 1000 Genomes Project 0.00040; ESP Exome Variant Server 0.00046.

Submissions (4):

CeGaT Center for Human Genetics Tuebingen
Classification: Likely benign. Last evaluated: 2026-09-01. Review status: criteria provided, single submitter. Criteria: CeGaT Center For Human Genetics Tuebingen Variant Classification Criteria Version 2. Collection method: clinical testing. Allele origin: germline. Affected: yes. Observed: 1 variant allele.
Comment: CHRND: BP4, BP7

Labcorp Genetics (formerly Invitae), Labcorp
Classification: Likely benign for Lethal multiple pterygium syndrome. Last evaluated: 2025-10-27. Review status: criteria provided, single submitter. Criteria: Invitae Variant Classification Sherloc (09022015). Collection method: clinical testing. Allele origin: germline.

Illumina Laboratory Services, Illumina
Classification: Uncertain significance for Congenital myasthenic syndrome. Last evaluated: 2018-01-13. Review status: criteria provided, single submitter. Criteria: ICSL Variant Classification Criteria 13 December 2019. Collection method: clinical testing. Allele origin: germline.

Illumina Laboratory Services, Illumina
Classification: Uncertain significance for Lethal multiple pterygium syndrome. Last evaluated: 2018-01-13. Review status: criteria provided, single submitter. Criteria: ICSL Variant Classification Criteria 13 December 2019. Collection method: clinical testing. Allele origin: germline.